The following is an entry in ClinVar:

NM_021224.6(ZNF462):c.763C>T (p.Arg255Ter)

Gene: ZNF462 (zinc finger protein 462; plus strand). Cytogenetic location: 9q31.2.
Variant type: single nucleotide variant.
Coding change: c.763C>T on transcript NM_021224.6 (MANE Select); coding-DNA position 763, C replaced by T.
Protein change: p.Arg255Ter; replaces arginine 255 with a stop codon.
Molecular consequence: nonsense.
Genome position (GRCh38, 1-based): chr9:106,924,675, C>T. VCF-style: chr9-106924675-C-T. GRCh37 (hg19) VCF-style: chr9-109686956-C-T.
Other names: c.763C>T (NM_021224.4); c.763C>T, p.Arg255Ter (NM_001347997.2); short protein forms R255*.
Identifiers: ClinVar variation 691880 (VCV000691880.2), dbSNP rs1588062809, ClinGen allele CA374383092.

ClinVar aggregate classification (germline): Pathogenic. Review status: criteria provided, single submitter (1 of 4 stars). 2 submissions from 2 submitters: Pathogenic (1). 1 of the submissions does not count toward it. Last evaluated 2023-05-26.

Conditions:
Weiss-Kruszka syndrome. Also called: Metopic ridging-ptosis-facial dysmorphism syndrome. Identifiers: Orphanet 502430, MedGen C5568107, MONDO:0032836, OMIM 618619.

Submissions (2):

GeneDx
Classification: Pathogenic. Last evaluated: 2023-05-26. Review status: criteria provided, single submitter. Criteria: GeneDx Variant Classification Process June 2021. Collection method: clinical testing. Allele origin: germline. Affected: yes.
Comment: Nonsense variant predicted to result in protein truncation or nonsense mediated decay in a gene for which loss of function is a known mechanism of disease; Not observed at significant frequency in large population cohorts (gnomAD); This variant is associated with the following publications: (PMID: 31361404, 33975400)

OMIM
Classification: Pathogenic for WEISS-KRUSZKA SYNDROME. Last evaluated: 2019-10-11. Review status: no assertion criteria provided. Collection method: literature only. Allele origin: germline. Not counted in ClinVar's aggregate classification.

Literature cited by the submitters: PubMed 31361404 (cited by OMIM).